The following is an entry in ClinVar:

NM_001267550.2(TTN):c.44294dup (p.Leu14766fs)

Gene: TTN (titin; minus strand). Cytogenetic location: 2q31.2.
Variant type: Duplication.
Coding change: c.44294dup on transcript NM_001267550.2 (MANE Select); coding-DNA position 44294, one base duplicated (G; older notation c.44294dupG).
Protein change: p.Leu14766fs; shifts the reading frame from leucine 14766.
Molecular consequence: frameshift variant.
Genome position (GRCh38, 1-based): chr2:178,629,431, C duplicated on the plus strand (G on the coding strand, the reverse complement: TTN is on the minus strand); the first of 2 consecutive C bases (chr2:178,629,431-178,629,432); duplicating either gives the same sequence. VCF-style (leftmost placement, unchanged base first): chr2-178629430-A-AC. GRCh37 (hg19) VCF-style: chr2-179494157-A-AC.
Other names: c.39371dup, p.Leu13125fs (NM_001256850.1); c.17099dup, p.Leu5701fs (NM_003319.4); c.36590dup, p.Leu12198fs (NM_133378.4); c.17474dup, p.Leu5826fs (NM_133432.3); c.17675dup, p.Leu5893fs (NM_133437.4); short protein forms L12198fs, L13125fs, L14766fs, L5701fs, L5826fs, L5893fs.
Identifiers: ClinVar variation 2627925 (VCV002627925.5), dbSNP rs2471338346, ClinGen allele CA2586963960.

ClinVar aggregate classification (germline): Likely pathogenic. Review status: criteria provided, multiple submitters, no conflicts (2 of 4 stars). 3 submissions from 3 submitters: Likely pathogenic (3). Last evaluated 2024-11-04.

Conditions:
Dilated cardiomyopathy 1G (CMD1G). Identifiers: Orphanet 154, MedGen C1858763, MONDO:0011400, OMIM 604145.
Autosomal recessive limb-girdle muscular dystrophy type 2J (LGMDR10). Also called: MUSCULAR DYSTROPHY, LIMB-GIRDLE, AUTOSOMAL RECESSIVE 10; Limb-girdle muscular dystrophy, type 2J. Identifiers: Orphanet 140922, MedGen C1837342, MONDO:0012127, OMIM 608807.
Cardiomyopathy (CMYO). Also called: Cardiomyopathies. Identifiers: Orphanet 167848, MedGen C0878544, MONDO:0004994, HP:0001638. Inheritance: Various modes of inheritance.

Submissions (3):

Labcorp Genetics (formerly Invitae), Labcorp
Classification: Likely pathogenic for Dilated cardiomyopathy 1G; Autosomal recessive limb-girdle muscular dystrophy type 2J. Last evaluated: 2024-11-04. Review status: criteria provided, single submitter. Criteria: Invitae Variant Classification Sherloc (09022015). Collection method: clinical testing. Allele origin: germline.
Comment: This sequence change creates a premature translational stop signal (p.Leu14766Serfs*43) in the TTN gene. While this is not anticipated to result in nonsense mediated decay, it is expected to create a truncated TTN protein. This variant is not present in population databases (gnomAD no frequency). This variant has not been reported in the literature in individuals affected with TTN-related conditions. ClinVar contains an entry for this variant (Variation ID: 2627925). This variant is located in the I band of TTN (PMID: 25589632). Truncating variants in this region have been reported in individuals affected with autosomal recessive centronuclear myopathy (PMID: 23975875, internal data). Truncating variants in this region have also been identified in individuals affected with autosomal dominant dilated cardiomyopathy and/or cardio-related conditions (PMID: 27869827, 32964742, internal data). In summary, the currently available evidence indicates that the variant is pathogenic, but additional data are needed to prove that conclusively. Therefore, this variant has been classified as Likely Pathogenic.

Illumina Laboratory Services, Illumina
Classification: Likely pathogenic for Dilated cardiomyopathy 1G. Last evaluated: 2023-08-29. Review status: criteria provided, single submitter. Criteria: ICSLVariantClassificationCriteria RUGD 01 April 2020. Collection method: clinical testing. Allele origin: unknown.
Comment: The TTN c.44294dup (p.Leu14766SerfsTer43) variant causes a shift in the protein reading frame that is predicted to result in premature termination of the protein. Loss of normal protein function through either protein truncation or nonsense-mediated mRNA decay is expected. This variant is located in exon 240 of the meta transcript of titin within the I-band, which is highly expressed in cardiac tissue (PMID: 25589632). In a meta-analysis of TTN truncating variants in patients and controls, variants in this region were associated with a significantly increased risk of developing dilated cardiomyopathy (odds ratio 19.5) (PMID: 27869827). This variant is not observed in version 2.1.1 or version 3.1.2 of the Genome Aggregation Database. Based on the available evidence, the c.44294dup (p.Leu14766SerfsTer43) variant is classified as likely pathogenic for dilated cardiomyopathy.

CHEO Genetics Diagnostic Laboratory, Children's Hospital of Eastern Ontario
Classification: Likely pathogenic for Cardiomyopathy. Last evaluated: 2023-03-16. Review status: criteria provided, single submitter. Criteria: ACMG Guidelines, 2015. Collection method: clinical testing. Allele origin: germline.

Literature cited by the submitters: PubMed 25589632 (cited by Labcorp Genetics (formerly Invitae), Labcorp); PubMed 23975875 (cited by Labcorp Genetics (formerly Invitae), Labcorp); PubMed 27869827 (cited by Labcorp Genetics (formerly Invitae), Labcorp); PubMed 32964742 (cited by Labcorp Genetics (formerly Invitae), Labcorp).